The following is an entry in ClinVar:

ClinVar aggregate classification (germline): Uncertain significance (1 of 4 stars; one submission).

Allele frequency attached by ClinVar (database versions not stated): TOPMed 0.00001.

Submission:

Labcorp Genetics (formerly Invitae), Labcorp
Classification: Uncertain significance. Last evaluated: 2022-02-21. Review status: criteria provided, single submitter. Criteria: Invitae Variant Classification Sherloc (09022015). Collection method: clinical testing. Allele origin: germline.
Comment: This sequence change replaces proline, which is neutral and non-polar, with leucine, which is neutral and non-polar, at codon 528 of the MCM3AP protein (p.Pro528Leu). This variant is not present in population databases (gnomAD no frequency). This variant has not been reported in the literature in individuals affected with MCM3AP-related conditions. Algorithms developed to predict the effect of missense changes on protein structure and function output the following: SIFT: "Tolerated"; PolyPhen-2: "Benign"; Align-GVGD: "Class C0". The leucine amino acid residue is found in multiple mammalian species, which suggests that this missense change does not adversely affect protein function. In summary, the available evidence is currently insufficient to determine the role of this variant in disease. Therefore, it has been classified as a Variant of Uncertain Significance.

NM_003906.5(MCM3AP):c.1583C>T (p.Pro528Leu)

Gene: MCM3AP (minichromosome maintenance complex component 3 associated protein; minus strand). Cytogenetic location: 21q22.3.
Variant type: single nucleotide variant.
Coding change: c.1583C>T on transcript NM_003906.5 (MANE Select); coding-DNA position 1583, C replaced by T.
Protein change: p.Pro528Leu; replaces proline 528 with leucine.
Molecular consequence: missense variant.
Genome position (GRCh38, 1-based): chr21:46,280,077, G>A on the plus strand (C>T on the coding strand, the complement: MCM3AP is on the minus strand). VCF-style: chr21-46280077-G-A. GRCh37 (hg19) VCF-style: chr21-47699991-G-A.
Other names: short protein forms P528L.
Identifiers: ClinVar variation 1984012 (VCV001984012.1), dbSNP rs755989950, ClinGen allele CA321976607.
Genomic context (GRCh38, chr21:46,280,077, plus strand): 5'-CCAGTCCTCCCTGCGGCCTTGCCAAGAGGAGAGTGCTGAAAGGGTGCATCCTCTGTGCTC[G>A]GGCTGACTTCACCGTCACCTGGTTTCTTCTCCTTCAGGGAAAAGGGTTTCTTATTGGGGC-3'
Protein context (NP_003897.2, residues 518-538): EKKPGDGEVS[Pro528Leu]STEDAPFQHS